The following is an entry in ClinVar:

ClinVar aggregate classification (germline): Uncertain significance (1 of 4 stars; one submission).

Conditions:
Dilated cardiomyopathy 1W (CMD1W). Identifiers: Orphanet 154, MedGen C1969639, MONDO:0012667, OMIM 611407.

Submission:

Labcorp Genetics (formerly Invitae), Labcorp
Classification: Uncertain significance for Dilated cardiomyopathy 1W. Last evaluated: 2021-11-28. Review status: criteria provided, single submitter. Criteria: Invitae Variant Classification Sherloc (09022015). Collection method: clinical testing. Allele origin: germline.
Comment: This sequence change replaces leucine, which is neutral and non-polar, with valine, which is neutral and non-polar, at codon 818 of the VCL protein (p.Leu818Val). This variant is not present in population databases (gnomAD no frequency). This variant has not been reported in the literature in individuals affected with VCL-related conditions. Algorithms developed to predict the effect of missense changes on protein structure and function are either unavailable or do not agree on the potential impact of this missense change (SIFT: "Not Available"; PolyPhen-2: "Probably Damaging"; Align-GVGD: "Not Available"). In summary, the available evidence is currently insufficient to determine the role of this variant in disease. Therefore, it has been classified as a Variant of Uncertain Significance.

NM_014000.3(VCL):c.2452C>G (p.Leu818Val)

Gene: VCL (vinculin; plus strand). Cytogenetic location: 10q22.2.
Variant type: single nucleotide variant.
Coding change: c.2452C>G on transcript NM_014000.3 (MANE Select); coding-DNA position 2452, C replaced by G.
Protein change: p.Leu818Val; replaces leucine 818 with valine.
Molecular consequence: missense variant.
Genome position (GRCh38, 1-based): chr10:74,107,247, C>G. VCF-style: chr10-74107247-C-G. GRCh37 (hg19) VCF-style: chr10-75867005-C-G.
Other names: c.2452C>G, p.Leu818Val (NM_003373.4); short protein forms L818V.
Identifiers: ClinVar variation 2413205 (VCV002413205.6), dbSNP rs2549233454, ClinGen allele CA377263560.